The following is an entry in ClinVar:

ClinVar aggregate classification (germline): Conflicting classifications of pathogenicity. Review status: criteria provided, conflicting classifications (1 of 4 stars). 12 submissions from 12 submitters: Uncertain significance (1); Benign (1); Likely benign (7). 3 of the submissions do not count toward it. Last evaluated 2026-01-25.

Conditions:
JPH2-related disorder. Also called: JPH2-related condition.
Cardiovascular phenotype. Identifiers: MedGen CN230736.
Cardiomyopathy (CMYO). Also called: Cardiomyopathies. Identifiers: Orphanet 167848, MedGen C0878544, MONDO:0004994, HP:0001638. Inheritance: Various modes of inheritance.
Hypertrophic cardiomyopathy. Also called: HYPERTROPHIC MYOCARDIOPATHY. Identifiers: Orphanet 217569, MedGen C0007194, MeSH D002312, MONDO:0005045, HP:0001639.

Allele frequency attached by ClinVar (database versions not stated): gnomAD exomes 0.00006 and 0.00021; 1000 Genomes Project 30x 0.00031; ExAC 0.00079; gnomAD 0.00079; TOPMed 0.00082.
gnomAD v4.1: 206 of 1,504,900 alleles (0.014%); highest among the groups gnomAD compares: African/African-American, 0.23%; 2 homozygotes.

Submissions (12):

Labcorp Genetics (formerly Invitae), Labcorp
Classification: Likely benign for Hypertrophic cardiomyopathy. Last evaluated: 2026-01-25. Review status: criteria provided, single submitter. Criteria: Invitae Variant Classification Sherloc (09022015). Collection method: clinical testing. Allele origin: germline.

CeGaT Center for Human Genetics Tuebingen
Classification: Benign. Last evaluated: 2025-11-01. Review status: criteria provided, single submitter. Criteria: CeGaT Center For Human Genetics Tuebingen Variant Classification Criteria Version 2. Collection method: clinical testing. Allele origin: germline. Affected: yes. Observed: 1 variant allele.
Comment: JPH2: BS1, BS2

Molecular Diagnostic Laboratory for Inherited Cardiovascular Disease, Montreal Heart Institute
Classification: Likely benign. Last evaluated: 2025-04-09. Review status: criteria provided, single submitter. Criteria: ACMG Guidelines, 2015. Collection method: clinical testing. Allele origin: germline. Affected: no.
Comment: BS1;BP4

Mayo Clinic Laboratories, Mayo Clinic
Classification: Likely benign. Last evaluated: 2025-02-26. Review status: criteria provided, single submitter. Criteria: ACMG Guidelines, 2015. Collection method: clinical testing. Allele origin: germline. Observed: 3 variant alleles.
Comment: BS1, BP4_moderate

Women's Health and Genetics/Laboratory Corporation of America, LabCorp
Classification: Likely benign. Last evaluated: 2025-02-24. Review status: criteria provided, single submitter. Criteria: LabCorp Variant Classification Summary - May 2015. Collection method: clinical testing. Allele origin: germline.

Ambry Genetics
Classification: Uncertain significance for Cardiovascular phenotype. Last evaluated: 2021-07-26. Review status: criteria provided, single submitter. Criteria: Ambry Variant Classification Scheme 2023. Collection method: clinical testing. Allele origin: germline.

GeneDx
Classification: Likely benign. Last evaluated: 2020-06-26. Review status: criteria provided, single submitter. Criteria: GeneDx Variant Classification Process June 2021. Collection method: clinical testing. Allele origin: germline. Affected: yes.
Comment: Has not been previously published as pathogenic or benign to our knowledge; Reported in ClinVar as a likely benign variant (ClinVar Variant ID#201803; Landrum et al., 2016); In silico analysis supports that this missense variant does not alter protein structure/function

Center for Advanced Laboratory Medicine, UC San Diego Health, University of California San Diego
Classification: Likely benign for Cardiomyopathy. Last evaluated: 2019-04-17. Review status: criteria provided, single submitter. Criteria: ACMG Guidelines, 2015. Collection method: clinical testing. Allele origin: germline. Affected: yes. Observed: 1 variant allele.

Breakthrough Genomics
Classification: Likely benign. Review status: criteria provided, single submitter. Criteria: ACMG Guidelines, 2015. Collection method: not provided. Allele origin: germline. Inheritance: Autosomal recessive inheritance. Affected: yes.

PreventionGenetics, part of Exact Sciences
Classification: Likely benign for JPH2-related condition. Last evaluated: 2019-11-26. Review status: no assertion criteria provided. Collection method: clinical testing. Allele origin: germline. Not counted in ClinVar's aggregate classification.
Comment: This variant is classified as likely benign based on ACMG/AMP sequence variant interpretation guidelines (Richards et al. 2015 PMID: 25741868, with internal and published modifications).

Clinical Genetics DNA and cytogenetics Diagnostics Lab, Erasmus MC, Erasmus Medical Center
Classification: Benign. Review status: no assertion criteria provided. Collection method: clinical testing. Allele origin: germline. Affected: yes. Study: VKGL Data-share Consensus. Not counted in ClinVar's aggregate classification.

Clinical Genetics, Academic Medical Center
Classification: Benign. Review status: no assertion criteria provided. Collection method: clinical testing. Allele origin: germline. Affected: yes. Study: VKGL Data-share Consensus. Not counted in ClinVar's aggregate classification.

NM_020433.5(JPH2):c.1424G>A (p.Arg475His)

Gene: JPH2 (junctophilin 2; minus strand). Cytogenetic location: 20q13.12.
Variant type: single nucleotide variant.
Coding change: c.1424G>A on transcript NM_020433.5 (MANE Select); coding-DNA position 1424, G replaced by A.
Protein change: p.Arg475His; replaces arginine 475 with histidine.
Molecular consequence: missense variant.
Genome position (GRCh38, 1-based): chr20:44,116,251, C>T on the plus strand (G>A on the coding strand, the complement: JPH2 is on the minus strand). VCF-style: chr20-44116251-C-T. GRCh37 (hg19) VCF-style: chr20-42744891-C-T.
Other names: p.R475H:CGT>CAT; p.Arg475His; short protein forms R475H.
Identifiers: ClinVar variation 201803 (VCV000201803.33), dbSNP rs765754956, ClinGen allele CA335241.